The following is an entry in ClinVar:

NM_000492.4(CFTR):c.2261T>C (p.Val754Ala)

Gene: CFTR (CF transmembrane conductance regulator; plus strand). Cytogenetic location: 7q31.2.
Variant type: single nucleotide variant.
Coding change: c.2261T>C on transcript NM_000492.4 (MANE Select); coding-DNA position 2261, T replaced by C.
Protein change: p.Val754Ala; replaces valine 754 with alanine.
Molecular consequence: missense variant.
Genome position (GRCh38, 1-based): chr7:117,592,428, T>C. VCF-style: chr7-117592428-T-C. GRCh37 (hg19) VCF-style: chr7-117232482-T-C.
Other names: short protein forms V754A.
Identifiers: ClinVar variation 3832578 (VCV003832578.1).

ClinVar aggregate classification (germline): Uncertain significance (1 of 4 stars; one submission).

Conditions:
Cystic fibrosis (CF). Also called: MUCOVISCIDOSIS. Identifiers: Orphanet 586, MedGen C0010674, MONDO:0009061, OMIM 219700. Disease mechanism: loss of function.

Submission:

Ambry Genetics
Classification: Uncertain significance for Cystic fibrosis. Last evaluated: 2025-01-17. Review status: criteria provided, single submitter. Criteria: Ambry Variant Classification Scheme 2023. Collection method: clinical testing. Allele origin: germline.
Comment: The p.V754A variant (also known as c.2261T>C), located in coding exon 14 of the CFTR gene, results from a T to C substitution at nucleotide position 2261. The valine at codon 754 is replaced by alanine, an amino acid with similar properties. This amino acid position is conserved. In addition, the in silico prediction for this alteration is inconclusive. Based on the available evidence, the clinical significance of this variant remains unclear.